The following is an entry in ClinVar:

ClinVar aggregate classification (germline): Uncertain significance (1 of 4 stars; one submission).

Conditions:
Congenital insensitivity to pain-hypohidrosis syndrome. Also called: Neuropathy, hereditary sensory and autonomic, type VIII; HSAN VIII. Identifiers: Orphanet 478664, MedGen C4225308, MONDO:0014662, OMIM 616488.

Submission:

Labcorp Genetics (formerly Invitae), Labcorp
Classification: Uncertain significance for Neuropathy, hereditary sensory and autonomic, type VIII. Last evaluated: 2019-11-14. Review status: criteria provided, single submitter. Criteria: Invitae Variant Classification Sherloc (09022015). Collection method: clinical testing. Allele origin: germline.
Comment: This variant, c.1032_1043dup, results in the insertion of 4 amino acid(s) to the PRDM12 protein (p.Pro345_Ala348dup), but otherwise preserves the integrity of the reading frame. The frequency data for this variant in the population databases is considered unreliable, as metrics indicate insufficient coverage at this position in the ExAC database. This variant has not been reported in the literature in individuals with PRDM12-related conditions. Experimental studies and prediction algorithms are not available or were not evaluated for this variant, and the functional significance of this variant is currently unknown. In summary, the available evidence is currently insufficient to determine the role of this variant in disease. Therefore, it has been classified as a Variant of Uncertain Significance.

NM_021619.3(PRDM12):c.1032_1043dup (p.Pro345_Ala348dup)

Gene: PRDM12 (PR/SET domain 12; plus strand). Cytogenetic location: 9q34.12.
Variant type: Duplication.
Coding change: c.1032_1043dup on transcript NM_021619.3 (MANE Select); coding-DNA positions 1032 to 1043, 12 bases duplicated (GCCCGCGCTCGC).
Protein change: p.Pro345_Ala348dup.
Molecular consequence: inframe insertion.
Genome position (GRCh38, 1-based): chr9:130,681,597-130,681,608, GCCCGCGCTCGC duplicated; duplicating any 12 consecutive bases within chr9:130,681,594-130,681,608 gives the same sequence; the c. name uses the placement nearest the transcript's 3' end. VCF-style (leftmost placement, unchanged base first): chr9-130681593-A-ACGCGCCCGCGCT. GRCh37 (hg19) VCF-style: chr9-133556980-A-ACGCGCCCGCGCT.
Identifiers: ClinVar variation 938908 (VCV000938908.1), dbSNP rs1554753223, ClinGen allele CA918565798.